The following is an entry in ClinVar:

NM_153676.4(USH1C):c.412A>G (p.Asn138Asp)

Gene: USH1C (USH1 protein network component harmonin; minus strand). Cytogenetic location: 11p15.1.
Variant type: single nucleotide variant.
Coding change: c.412A>G on transcript NM_153676.4 (MANE Select); coding-DNA position 412, A replaced by G.
Protein change: p.Asn138Asp; replaces asparagine 138 with aspartic acid.
Molecular consequence: missense variant. On other transcripts: non-coding transcript variant (1).
Genome position (GRCh38, 1-based): chr11:17,527,307, T>C on the plus strand (A>G on the coding strand, the complement: USH1C is on the minus strand). VCF-style: chr11-17527307-T-C. GRCh37 (hg19) VCF-style: chr11-17548854-T-C.
Other names: c.412A>G, p.Asn138Asp (NM_001297764.2, NM_005709.4); short protein forms N138D.
Identifiers: ClinVar variation 992087 (VCV000992087.2), dbSNP rs1850746868, ClinGen allele CA379795315.

ClinVar aggregate classification (germline): Uncertain significance. Review status: criteria provided, single submitter (1 of 4 stars). 2 submissions from 2 submitters: Uncertain significance (1). 1 of the submissions does not count toward it. Last evaluated 2025-06-23.

Conditions:
Usher syndrome type 1C. Also called: USHER SYNDROME, TYPE I, ACADIAN VARIETY. Identifiers: Orphanet 231169, Orphanet 886, MedGen C1848604, MONDO:0010171, OMIM 276904.

Submissions (2):

Women's Health and Genetics/Laboratory Corporation of America, LabCorp
Classification: Uncertain significance. Last evaluated: 2025-06-23. Review status: criteria provided, single submitter. Criteria: LabCorp Variant Classification Summary - May 2015. Collection method: clinical testing. Allele origin: germline.
Comment: Variant summary: USH1C c.412A>G (p.Asn138Asp) results in a conservative amino acid change in the encoded protein sequence. Algorithms developed to predict the effect of missense changes on protein structure and function are either unavailable or do not agree on the potential impact of this missense change. The variant was absent in 251032 control chromosomes. The available data on variant occurrences in the general population are insufficient to allow any conclusion about variant significance. To our knowledge, no occurrence of c.412A>G in individuals affected with Usher Syndrome and no experimental evidence demonstrating its impact on protein function have been reported. ClinVar contains an entry for this variant (Variation ID: 992087). Based on the evidence outlined above, the variant was classified as uncertain significance.

Natera, Inc.
Classification: Uncertain significance for Usher syndrome type 1C. Last evaluated: 2020-08-13. Review status: no assertion criteria provided. Collection method: clinical testing. Allele origin: germline. Not counted in ClinVar's aggregate classification.